The following is an entry in ClinVar:

ClinVar aggregate classification (germline): Conflicting classifications of pathogenicity. Review status: criteria provided, conflicting classifications (1 of 4 stars). 3 submissions from 3 submitters: Uncertain significance (1); Likely benign (2). Last evaluated 2025-08-30.

Conditions:
Mowat-Wilson syndrome (MOWS). Also called: Classic Mowat-Wilson Syndrome. Identifiers: Orphanet 2152, MedGen C1856113, MONDO:0009341, OMIM 235730.

Allele frequency attached by ClinVar (database versions not stated): gnomAD exomes below 0.00001 and 0.00001; ExAC 0.00001; gnomAD 0.00004 and 0.00005; TOPMed 0.00004; ESP Exome Variant Server 0.00008.
gnomAD v4.1: 11 of 1,613,804 alleles (0.00068%); highest among the groups gnomAD compares: African/African-American, 0.015%; no homozygotes.

Submissions (3):

Labcorp Genetics (formerly Invitae), Labcorp
Classification: Uncertain significance for Mowat-Wilson syndrome. Last evaluated: 2025-08-30. Review status: criteria provided, single submitter. Criteria: Invitae Variant Classification Sherloc (09022015). Collection method: clinical testing. Allele origin: germline.
Comment: This sequence change replaces asparagine, which is neutral and polar, with aspartic acid, which is acidic and polar, at codon 99 of the ZEB2 protein (p.Asn99Asp). This variant is present in population databases (rs150665982, gnomAD 0.02%). This variant has not been reported in the literature in individuals affected with ZEB2-related conditions. ClinVar contains an entry for this variant (Variation ID: 381504). Invitae Evidence Modeling incorporating data from in vitro experimental studies (internal data) indicates that this missense variant is not expected to disrupt ZEB2 function with a negative predictive value of 95%. In summary, the available evidence is currently insufficient to determine the role of this variant in disease. Therefore, it has been classified as a Variant of Uncertain Significance.

Genome-Nilou Lab
Classification: Likely benign for Mowat-Wilson syndrome. Last evaluated: 2021-11-07. Review status: criteria provided, single submitter. Criteria: ACMG Guidelines, 2015. Collection method: clinical testing. Allele origin: germline. Affected: no.

GeneDx
Classification: Likely benign. Last evaluated: 2019-05-15. Review status: criteria provided, single submitter. Criteria: GeneDx Variant Classification Process June 2021. Collection method: clinical testing. Allele origin: germline. Affected: yes.

NM_014795.4(ZEB2):c.295A>G (p.Asn99Asp)

Gene: ZEB2 (zinc finger E-box binding homeobox 2; minus strand). Cytogenetic location: 2q22.3.
Variant type: single nucleotide variant.
Coding change: c.295A>G on transcript NM_014795.4 (MANE Select); coding-DNA position 295, A replaced by G.
Protein change: p.Asn99Asp; replaces asparagine 99 with aspartic acid.
Molecular consequence: missense variant.
Genome position (GRCh38, 1-based): chr2:144,429,805, T>C on the plus strand (A>G on the coding strand, the complement: ZEB2 is on the minus strand). VCF-style: chr2-144429805-T-C. GRCh37 (hg19) VCF-style: chr2-145187372-T-C.
Other names: c.295A>G, p.Asn99Asp (NM_001171653.2); short protein forms N99D.
Identifiers: ClinVar variation 381504 (VCV000381504.16), dbSNP rs150665982, ClinGen allele CA1898575.
Genomic context (GRCh38, chr2:144,429,805, plus strand): 5'-GGCCAAGTGATTTTAGACACTTACCTGGACCATCTACAGAGGCTTGTAGAATCTCGTTGT[T>C]GTGCCAGGGGTGTTCCACTCCACCCTCCCTTATTTCATCTTCCTCTTCCTCTCTTGGCAA-3'
Protein context (NP_055610.1, residues 89-109): REGGVEHPWH[Asn99Asp]NEILQASVDG